The following is an entry in ClinVar:

NM_176787.5(PIGN):c.490G>A (p.Glu164Lys)

Gene: PIGN (phosphatidylinositol glycan anchor biosynthesis class N; minus strand). Cytogenetic location: 18q21.33.
Variant type: single nucleotide variant.
Coding change: c.490G>A on transcript NM_176787.5 (MANE Select); coding-DNA position 490, G replaced by A.
Protein change: p.Glu164Lys; replaces glutamic acid 164 with lysine.
Molecular consequence: missense variant.
Genome position (GRCh38, 1-based): chr18:62,154,604, C>T on the plus strand (G>A on the coding strand, the complement: PIGN is on the minus strand). VCF-style: chr18-62154604-C-T. GRCh37 (hg19) VCF-style: chr18-59821837-C-T.
Other names: c.490G>A, p.Glu164Lys (NM_012327.6); short protein forms E164K.
Identifiers: ClinVar variation 664784 (VCV000664784.15), dbSNP rs775172938, ClinGen allele CA8982571.
Genomic context (GRCh38, chr18:62,154,604, plus strand): 5'-CCTTAACATTATCAAAAACCCACGTATCCAGTTTTGTTGCATCTTGAGCACCAAAATCCT[C>T]TCTTTTAGCATCATAACTATATGTATAAACGTGGTCTCCACTAGCACCTGAAAAGAAAAT-3'
Protein context (NP_789744.1, residues 154-174): VYTYSYDAKR[Glu164Lys]DFGAQDATKL

ClinVar aggregate classification (germline): Conflicting classifications of pathogenicity. Review status: criteria provided, conflicting classifications (1 of 4 stars). 3 submissions from 3 submitters: Likely pathogenic (1); Uncertain significance (2). Last evaluated 2025-10-09.

Conditions:
Multiple congenital anomalies-hypotonia-seizures syndrome 1 (MCAHS1). Also called: GLYCOSYLPHOSPHATIDYLINOSITOL BIOSYNTHESIS DEFECT 3; PIGN-CDG; Congenital disorder of glycosylation due to PIGN deficiency. Identifiers: Orphanet 280633, MedGen C3279775, MONDO:0013563, OMIM 614080.

Allele frequency attached by ClinVar (database versions not stated): gnomAD exomes below 0.00001 and 0.00001; ExAC 0.00001; gnomAD 0.00001; TOPMed 0.00001.
gnomAD v4.1: 2 of 1,594,972 alleles (0.00013%); highest among the groups gnomAD compares: Non-Finnish European, 0.00017%; no homozygotes.

Submissions (3):

GeneDx
Classification: Likely pathogenic. Last evaluated: 2025-10-09. Review status: criteria provided, single submitter. Criteria: GeneDx Variant Classification Process June 2021. Collection method: clinical testing. Allele origin: germline. Affected: yes.
Comment: In silico analysis supports that this missense variant has a deleterious effect on protein structure/function; Not observed at significant frequency in large population cohorts (gnomAD); This variant is associated with the following publications: (PMID: 26633542)

Women's Health and Genetics/Laboratory Corporation of America, LabCorp
Classification: Uncertain significance. Last evaluated: 2025-04-17. Review status: criteria provided, single submitter. Criteria: LabCorp Variant Classification Summary - May 2015. Collection method: clinical testing. Allele origin: germline.
Comment: Variant summary: PIGN c.490G>A (p.Glu164Lys) results in a conservative amino acid change in the encoded protein sequence. Four of five in-silico tools predict a damaging effect of the variant on protein function. The variant allele was found at a frequency of 1.2e-05 in 248184 control chromosomes. The available data on variant occurrences in the general population are insufficient to allow any conclusion about variant significance. c.490G>A has been observed in at least one individual affected with an abnormality of the nervous system (e.g. Retterer_2015). These report(s) do not provide unequivocal conclusions about association of the variant with Multiple Congenital Anomalies-Hypotonia Syndrome 1. To our knowledge, no experimental evidence demonstrating an impact on protein function has been reported. The following publication has been ascertained in the context of this evaluation (PMID: 26633542). ClinVar contains an entry for this variant (Variation ID: 664784). Based on the evidence outlined above, the variant was classified as uncertain significance.

Labcorp Genetics (formerly Invitae), Labcorp
Classification: Uncertain significance for Multiple congenital anomalies-hypotonia-seizures syndrome 1. Last evaluated: 2024-11-11. Review status: criteria provided, single submitter. Criteria: Invitae Variant Classification Sherloc (09022015). Collection method: clinical testing. Allele origin: germline.
Comment: This sequence change replaces glutamic acid, which is acidic and polar, with lysine, which is basic and polar, at codon 164 of the PIGN protein (p.Glu164Lys). This variant is present in population databases (rs775172938, gnomAD 0.004%). This missense change has been observed in individual(s) with an abnormality of the nervous system (PMID: 26633542). ClinVar contains an entry for this variant (Variation ID: 664784). Invitae Evidence Modeling of protein sequence and biophysical properties (such as structural, functional, and spatial information, amino acid conservation, physicochemical variation, residue mobility, and thermodynamic stability) indicates that this missense variant is expected to disrupt PIGN protein function with a positive predictive value of 80%. In summary, the available evidence is currently insufficient to determine the role of this variant in disease. Therefore, it has been classified as a Variant of Uncertain Significance.

Literature cited by the submitters: PubMed 26633542 (cited by Women's Health and Genetics/Laboratory Corporation of America, LabCorp and Labcorp Genetics (formerly Invitae), Labcorp).